The following is an entry in ClinVar:

NM_145200.5(CABP4):c.361G>A (p.Gly121Arg)

Gene: CABP4 (calcium binding protein 4; plus strand). Cytogenetic location: 11q13.2.
Variant type: single nucleotide variant.
Coding change: c.361G>A on transcript NM_145200.5 (MANE Select); coding-DNA position 361, G replaced by A.
Protein change: p.Gly121Arg; replaces glycine 121 with arginine.
Molecular consequence: missense variant. On other transcripts: 5 prime UTR variant (3), non-coding transcript variant (1).
Genome position (GRCh38, 1-based): chr11:67,455,784, G>A. VCF-style: chr11-67455784-G-A. GRCh37 (hg19) VCF-style: chr11-67223255-G-A.
Other names: c.-23G>A (NM_001300895.3); c.-37G>A (NM_001300896.3, NM_001379183.1); short protein forms G121R.
Identifiers: ClinVar variation 1406313 (VCV001406313.6), dbSNP rs549293344, ClinGen allele CA6140144.

ClinVar aggregate classification (germline): Uncertain significance (1 of 4 stars; one submission).

Allele frequency attached by ClinVar (database versions not stated): 1000 Genomes Project 30x 0.00016; 1000 Genomes Project 0.00020.

Submission:

Labcorp Genetics (formerly Invitae), Labcorp
Classification: Uncertain significance. Last evaluated: 2024-10-24. Review status: criteria provided, single submitter. Criteria: Invitae Variant Classification Sherloc (09022015). Collection method: clinical testing. Allele origin: germline.
Comment: This sequence change replaces glycine, which is neutral and non-polar, with arginine, which is basic and polar, at codon 121 of the CABP4 protein (p.Gly121Arg). This variant is present in population databases (rs549293344, gnomAD 0.006%). This variant has not been reported in the literature in individuals affected with CABP4-related conditions. ClinVar contains an entry for this variant (Variation ID: 1406313). Invitae Evidence Modeling of protein sequence and biophysical properties (such as structural, functional, and spatial information, amino acid conservation, physicochemical variation, residue mobility, and thermodynamic stability) has been performed for this missense variant. However, the output from this modeling did not meet the statistical confidence thresholds required to predict the impact of this variant on CABP4 protein function. In summary, the available evidence is currently insufficient to determine the role of this variant in disease. Therefore, it has been classified as a Variant of Uncertain Significance.